The following is an entry in ClinVar:

NM_001889.4(CRYZ):c.120C>A (p.Ile40=)

Gene: CRYZ (crystallin zeta; minus strand). Cytogenetic location: 1p31.1.
Variant type: single nucleotide variant.
Coding change: c.120C>A on transcript NM_001889.4 (MANE Select); coding-DNA position 120, C replaced by A.
Protein change: p.Ile40=; no amino-acid change (isoleucine 40 retained).
Molecular consequence: synonymous variant. On other transcripts: 5 prime UTR variant (1).
Genome position (GRCh38, 1-based): chr1:74,723,262, G>T on the plus strand (C>A on the coding strand, the complement: CRYZ is on the minus strand). VCF-style: chr1-74723262-G-T. GRCh37 (hg19) VCF-style: chr1-75188946-G-T.
Other names: c.120C>A, p.Ile40= (NM_001130042.2, NM_001130043.2); c.-128C>A (NM_001134759.2).
Identifiers: ClinVar variation 3048884 (VCV003048884.2), dbSNP rs146208357, ClinGen allele CA911451.

ClinVar aggregate classification (germline): Likely benign (0 of 4 stars; one submission).

Conditions:
CRYZ-related disorder. Also called: CRYZ-related condition.

Allele frequency attached by ClinVar (database versions not stated): ESP Exome Variant Server 0.00031; gnomAD 0.00041; gnomAD exomes 0.00060; ExAC 0.00087; 1000 Genomes Project 0.00140; 1000 Genomes Project 30x 0.00141.
gnomAD v4.1: 946 of 1,607,654 alleles (0.059%); highest among the groups gnomAD compares: South Asian, 0.45%; 4 homozygotes.

Submission:

PreventionGenetics, part of Exact Sciences
Classification: Likely benign for CRYZ-related condition. Last evaluated: 2021-09-23. Review status: no assertion criteria provided. Collection method: clinical testing. Allele origin: germline.
Comment: This variant is classified as likely benign based on ACMG/AMP sequence variant interpretation guidelines (Richards et al. 2015 PMID: 25741868, with internal and published modifications).